The following is an entry in ClinVar:

NM_014989.7(RIMS1):c.4400A>G (p.Gln1467Arg)

Gene: RIMS1 (regulating synaptic membrane exocytosis 1; plus strand). Cytogenetic location: 6q13.
Variant type: single nucleotide variant.
Coding change: c.4400A>G on transcript NM_014989.7 (MANE Select); coding-DNA position 4400, A replaced by G.
Protein change: p.Gln1467Arg; replaces glutamine 1467 with arginine.
Molecular consequence: missense variant. On other transcripts: 5 prime UTR variant (1).
Genome position (GRCh38, 1-based): chr6:72,390,631, A>G. VCF-style: chr6-72390631-A-G. GRCh37 (hg19) VCF-style: chr6-73100333-A-G.
Other names: c.2360A>G, p.Gln787Arg (NM_001168407.2); c.1775A>G, p.Gln592Arg (NM_001168408.2, NM_001350430.2); c.1604A>G, p.Gln535Arg (NM_001168409.2); c.1802A>G, p.Gln601Arg (NM_001168410.2); c.-20A>G (NM_001168411.2); c.2321A>G, p.Gln774Arg (NM_001350414.2); c.2417A>G, p.Gln806Arg (NM_001350415.2); c.2366A>G, p.Gln789Arg (NM_001350416.2); and 54 more; short protein forms Q565R, Q576R, Q577R, Q591R, Q616R, Q677R, Q707R, Q561R.
Identifiers: ClinVar variation 1496619 (VCV001496619.8), dbSNP rs1340040382, ClinGen allele CA364819045.

ClinVar aggregate classification (germline): Uncertain significance (1 of 4 stars; one submission).

Allele frequency attached by ClinVar (database versions not stated): gnomAD exomes below 0.00001 and 0.00001; gnomAD 0.00001 and 0.00002; TOPMed 0.00001; 1000 Genomes Project 30x 0.00016.
gnomAD v4.1: 9 of 1,613,850 alleles (0.00056%); highest among the groups gnomAD compares: East Asian, 0.016%; no homozygotes.

Submission:

Labcorp Genetics (formerly Invitae), Labcorp
Classification: Uncertain significance. Last evaluated: 2025-04-26. Review status: criteria provided, single submitter. Criteria: Invitae Variant Classification Sherloc (09022015). Collection method: clinical testing. Allele origin: germline.
Comment: This sequence change replaces glutamine, which is neutral and polar, with arginine, which is basic and polar, at codon 1467 of the RIMS1 protein (p.Gln1467Arg). This variant is present in population databases (no rsID available, gnomAD 0.02%). This variant has not been reported in the literature in individuals affected with RIMS1-related conditions. ClinVar contains an entry for this variant (Variation ID: 1496619). An algorithm developed to predict the effect of missense changes on protein structure and function (PolyPhen-2) suggests that this variant is likely to be tolerated. In summary, the available evidence is currently insufficient to determine the role of this variant in disease. Therefore, it has been classified as a Variant of Uncertain Significance.